The following is an entry in ClinVar:

ClinVar aggregate classification (germline): Uncertain significance (1 of 4 stars; one submission).

Submissions (2):

GeneDx
Classification: Uncertain significance. Last evaluated: 2025-04-04. Review status: criteria provided, single submitter. Criteria: GeneDx Variant Classification Process June 2021. Collection method: clinical testing. Allele origin: germline. Affected: yes.
Comment: Not observed at significant frequency in large population cohorts (gnomAD); In silico analysis indicates that this missense variant does not alter protein structure/function; Has not been previously published as pathogenic or benign to our knowledge

Dr. Peter K. Rogan Lab, Western University
No classification provided (evidence only). Condition: Thyroid cancer, nonmedullary, 1. Review status: no classification provided. Collection method: in vitro. Allele origin: not applicable. Functional consequence: retained intron. Not counted in ClinVar's aggregate classification.

NM_001367721.1(CASK):c.1259C>G (p.Pro420Arg)

Gene: CASK (calcium/calmodulin dependent serine protein kinase; minus strand). Cytogenetic location: Xp11.4.
Variant type: single nucleotide variant.
Coding change: c.1259C>G on transcript NM_001367721.1 (MANE Select); coding-DNA position 1259, C replaced by G.
Protein change: p.Pro420Arg; replaces proline 420 with arginine.
Molecular consequence: missense variant.
Genome position (GRCh38, 1-based): chrX:41,586,962, G>C on the plus strand (C>G on the coding strand, the complement: CASK is on the minus strand). VCF-style: chrX-41586962-G-C. GRCh37 (hg19) VCF-style: chrX-41446215-G-C.
Other names: NC_000023.10:g.41446215G>C; c.1259C>G, p.Pro420Arg (NM_001126054.3, NM_003688.4); c.1241C>G, p.Pro414Arg (NM_001126055.3, NM_001410745.1); short protein forms P414R, P420R.
Identifiers: ClinVar variation 4278585 (VCV004278585.2).
Genomic context (GRCh38, chrX:41,586,962, plus strand): 5'-CTTACCATGAAATGAGGTTGTGTTAAAATACGCTTTAGTTCCTTTGCGTCGTTATTCTCA[G>C]GGTAACATGAAATTTCTTCCAATACCTAAAAAATAAACAAGATATACAATAATACAAACA-3'
Protein context (NP_001354650.1, residues 410-430): KEVLEEISCY[Pro420Arg]ENNDAKELKR